The following is an entry in ClinVar:

ClinVar aggregate classification (germline): Uncertain significance (1 of 4 stars; one submission).

Allele frequency attached by ClinVar (database versions not stated): gnomAD exomes below 0.00001; ExAC 0.00001; TOPMed 0.00002; gnomAD 0.00003.

Submission:

Labcorp Genetics (formerly Invitae), Labcorp
Classification: Uncertain significance. Last evaluated: 2024-08-12. Review status: criteria provided, single submitter. Criteria: Invitae Variant Classification Sherloc (09022015). Collection method: clinical testing. Allele origin: germline.
Comment: This sequence change replaces histidine, which is basic and polar, with leucine, which is neutral and non-polar, at codon 75 of the MOCS3 protein (p.His75Leu). This variant is present in population databases (rs763046324, gnomAD 0.0009%). This variant has not been reported in the literature in individuals affected with MOCS3-related conditions. ClinVar contains an entry for this variant (Variation ID: 1501846). An algorithm developed to predict the effect of missense changes on protein structure and function (PolyPhen-2) suggests that this variant is likely to be tolerated. In summary, the available evidence is currently insufficient to determine the role of this variant in disease. Therefore, it has been classified as a Variant of Uncertain Significance.

NM_014484.5(MOCS3):c.224A>T (p.His75Leu)

Gene: MOCS3 (molybdenum cofactor synthesis 3; plus strand). Cytogenetic location: 20q13.13.
Variant type: single nucleotide variant.
Coding change: c.224A>T on transcript NM_014484.5 (MANE Select); coding-DNA position 224, A replaced by T.
Protein change: p.His75Leu; replaces histidine 75 with leucine.
Molecular consequence: missense variant.
Genome position (GRCh38, 1-based): chr20:50,959,066, A>T. VCF-style: chr20-50959066-A-T. GRCh37 (hg19) VCF-style: chr20-49575603-A-T.
Other names: short protein forms H75L.
Identifiers: ClinVar variation 1501846 (VCV001501846.8), dbSNP rs763046324, ClinGen allele CA9909364.